The following is an entry in ClinVar:

NM_033004.4(NLRP1):c.1967C>T (p.Thr656Met)

Gene: NLRP1 (NLR family pyrin domain containing 1; minus strand). Cytogenetic location: 17p13.2.
Variant type: single nucleotide variant.
Coding change: c.1967C>T on transcript NM_033004.4 (MANE Select); coding-DNA position 1967, C replaced by T.
Protein change: p.Thr656Met; replaces threonine 656 with methionine.
Molecular consequence: missense variant.
Genome position (GRCh38, 1-based): chr17:5,558,729, G>A on the plus strand (C>T on the coding strand, the complement: NLRP1 is on the minus strand). VCF-style: chr17-5558729-G-A. GRCh37 (hg19) VCF-style: chr17-5462049-G-A.
Other names: c.1967C>T (NM_033004.3); c.1967C>T, p.Thr656Met (NM_001033053.3, NM_014922.5, NM_033006.4 and 1 more transcripts); short protein forms T656M.
Identifiers: ClinVar variation 1513149 (VCV001513149.8), dbSNP rs769370941, ClinGen allele CA8327294.

ClinVar aggregate classification (germline): Uncertain significance. Review status: criteria provided, multiple submitters, no conflicts (2 of 4 stars). 3 submissions from 3 submitters: Uncertain significance (2). 1 of the submissions does not count toward it. Last evaluated 2025-12-19.

Conditions:
NLRP1-related disorder. Also called: NLRP1-related condition.
Inborn genetic diseases. Identifiers: MedGen C0950123, MeSH D030342.

Allele frequency attached by ClinVar (database versions not stated): gnomAD 0.00001 and 0.00002; TOPMed 0.00003.
gnomAD v4.1: 62 of 1,614,038 alleles (0.0038%); highest among the groups gnomAD compares: Admixed American, 0.018%; no homozygotes.

Submissions (3):

Labcorp Genetics (formerly Invitae), Labcorp
Classification: Uncertain significance. Last evaluated: 2025-12-19. Review status: criteria provided, single submitter. Criteria: Invitae Variant Classification Sherloc (09022015). Collection method: clinical testing. Allele origin: germline.
Comment: This sequence change replaces threonine, which is neutral and polar, with methionine, which is neutral and non-polar, at codon 656 of the NLRP1 protein (p.Thr656Met). This variant is present in population databases (rs769370941, gnomAD 0.03%). This variant has not been reported in the literature in individuals affected with NLRP1-related conditions. ClinVar contains an entry for this variant (Variation ID: 1513149). An algorithm developed to predict the effect of missense changes on protein structure and function outputs the following: PolyPhen-2: "Benign". The methionine amino acid residue is found in multiple mammalian species, which suggests that this missense change does not adversely affect protein function. In summary, the available evidence is currently insufficient to determine the role of this variant in disease. Therefore, it has been classified as a Variant of Uncertain Significance.

Ambry Genetics
Classification: Uncertain significance for Inborn genetic diseases. Last evaluated: 2024-06-26. Review status: criteria provided, single submitter. Criteria: Ambry Variant Classification Scheme 2023. Collection method: clinical testing. Allele origin: germline.

PreventionGenetics, part of Exact Sciences
Classification: Uncertain significance for NLRP1-related condition. Last evaluated: 2024-09-10. Review status: no assertion criteria provided. Collection method: clinical testing. Allele origin: germline. Not counted in ClinVar's aggregate classification.
Comment: The NLRP1 c.1967C>T variant is predicted to result in the amino acid substitution p.Thr656Met. To our knowledge, this variant has not been reported in the literature. This variant is reported in 0.025% of alleles in individuals of Latino descent in gnomAD. At this time, the clinical significance of this variant is uncertain due to the absence of conclusive functional and genetic evidence.